The following is an entry in ClinVar:

NM_001365951.3(KIF1B):c.4782C>G (p.Asn1594Lys)

Gene: KIF1B (kinesin family member 1B; plus strand). Cytogenetic location: 1p36.22.
Variant type: single nucleotide variant.
Coding change: c.4782C>G on transcript NM_001365951.3 (MANE Select); coding-DNA position 4782, C replaced by G.
Protein change: p.Asn1594Lys; replaces asparagine 1594 with lysine.
Molecular consequence: missense variant.
Genome position (GRCh38, 1-based): chr1:10,368,496, C>G. VCF-style: chr1-10368496-C-G. GRCh37 (hg19) VCF-style: chr1-10428554-C-G.
Other names: c.4782C>G, p.Asn1594Lys (NM_001365952.1); c.4644C>G, p.Asn1548Lys (NM_015074.3); short protein forms N1548K, N1594K.
Identifiers: ClinVar variation 3288443 (VCV003288443.3).

ClinVar aggregate classification (germline): Uncertain significance. Review status: criteria provided, multiple submitters, no conflicts (2 of 4 stars). 2 submissions from 2 submitters: Uncertain significance (2). Last evaluated 2024-06-05.

Conditions:
Charcot-Marie-Tooth disease type 2. Also called: Charcot-Marie-Tooth type 2. Identifiers: Orphanet 64746, MedGen C0270914, MONDO:0018993.

gnomAD v4.1: 1 of 1,614,076 alleles (0.000062%); highest among the groups gnomAD compares: Non-Finnish European, 0.000085%; no homozygotes.

Submissions (2):

Labcorp Genetics (formerly Invitae), Labcorp
Classification: Uncertain significance for Charcot-Marie-Tooth disease type 2. Last evaluated: 2024-06-05. Review status: criteria provided, single submitter. Criteria: Invitae Variant Classification Sherloc (09022015). Collection method: clinical testing. Allele origin: germline.
Comment: This sequence change replaces asparagine, which is neutral and polar, with lysine, which is basic and polar, at codon 1548 of the KIF1B protein (p.Asn1548Lys). This variant is not present in population databases (gnomAD no frequency). This variant has not been reported in the literature in individuals affected with KIF1B-related conditions. An algorithm developed to predict the effect of missense changes on protein structure and function (PolyPhen-2) suggests that this variant is likely to be disruptive. In summary, the available evidence is currently insufficient to determine the role of this variant in disease. Therefore, it has been classified as a Variant of Uncertain Significance.

Ambry Genetics
Classification: Uncertain significance. Last evaluated: 2024-05-22. Review status: criteria provided, single submitter. Criteria: Ambry Variant Classification Scheme 2023. Collection method: clinical testing. Allele origin: germline.
Comment: The p.N1548K variant (also known as c.4644C>G), located in coding exon 41 of the KIF1B gene, results from a C to G substitution at nucleotide position 4644. The asparagine at codon 1548 is replaced by lysine, an amino acid with similar properties. This amino acid position is highly conserved in available vertebrate species. In addition, this alteration is predicted to be tolerated by in silico analysis. The evidence for this gene-disease relationship is limited; therefore, the clinical significance of this alteration is unclear.